The following is an entry in ClinVar:

ClinVar aggregate classification (germline): Uncertain significance (1 of 4 stars; one submission).

Submission:

GeneDx
Classification: Uncertain significance. Last evaluated: 2022-05-20. Review status: criteria provided, single submitter. Criteria: GeneDx Variant Classification Process June 2021. Collection method: clinical testing. Allele origin: germline. Affected: yes.
Comment: Not observed at significant frequency in large population cohorts (gnomAD); Nonsense variant predicted to result in protein truncation as the last 26 amino acids are lost, although loss-of-function variants have not been reported downstream of this position in the protein; Has not been previously published as pathogenic or benign to our knowledge

NM_005861.4(STUB1):c.832G>T (p.Glu278Ter)

Genes: JMJD8 (jumonji domain containing 8; minus strand), STUB1 (STIP1 homology and U-box containing protein 1; plus strand). Cytogenetic location: 16p13.3.
Variant type: single nucleotide variant.
Coding change: c.832G>T on transcript NM_005861.4 (MANE Select); coding-DNA position 832, G replaced by T.
Protein change: p.Glu278Ter; replaces glutamic acid 278 with a stop codon.
Molecular consequence: nonsense. On other transcripts: 3 prime UTR variant (5), non-coding transcript variant (3).
Genome position (GRCh38, 1-based): chr16:682,409, G>T. VCF-style: chr16-682409-G-T. GRCh37 (hg19) VCF-style: chr16-732409-G-T.
Other names: c.616G>T, p.Glu206Ter (NM_001293197.2); c.*385C>A (NM_001005920.4, NM_001323919.3, NM_001323920.3); c.*419C>A (NM_001323918.3, NM_001323922.3); short protein forms E278*, E206*.
Identifiers: ClinVar variation 546030 (VCV000546030.4), dbSNP rs1555475532, ClinGen allele CA394114576.